The following is an entry in ClinVar:

NM_000516.7(GNAS):c.*260GCA[2]

Gene: GNAS (GNAS complex locus; plus strand). Cytogenetic location: 20q13.32.
Variant type: Microsatellite.
Coding change: c.*260GCA[2] on transcript NM_000516.7 (MANE Select); two copies in a row of the 3-base unit GCA starting at c.*260; the reference has three copies in a row; one copy, 3 bases deleted.
Molecular consequence: 3 prime UTR variant.
Genome position (GRCh38, 1-based): chr20:58,911,095-58,911,097, GCA deleted; deleting any 3 consecutive bases within chr20:58,911,087-58,911,097 gives the same sequence; the position shown is the placement nearest the transcript's 3' end. VCF-style (leftmost placement, unchanged base first): chr20-58911086-ACAG-A. GRCh37 (hg19) VCF-style: chr20-57486141-ACAG-A.
Other names: c.*260GCA[2] (NM_001077488.5, NM_001077489.4, NM_001309840.2 and 10 more transcripts); c.*1306GCA[2] (NM_001077490.3); c.*1351GCA[2] (NM_016592.5).
Identifiers: ClinVar variation 4985525 (VCV004985525.1).

ClinVar aggregate classification (germline): Likely benign (1 of 4 stars; one submission).

Conditions:
GNAS-related disorder. Identifiers: MedGen CN380105.

Submission:

PreventionGenetics, part of Exact Sciences
Classification: Likely benign for GNAS-related condition. Last evaluated: 2025-07-01. Review status: criteria provided, single submitter. Criteria: ACMG Guidelines, 2015. Collection method: clinical testing. Allele origin: germline.
Comment: This variant is classified as likely benign based on ACMG/AMP sequence variant interpretation guidelines (Richards et al. 2015 PMID: 25741868, with internal and published modifications).